The following is an entry in ClinVar:

NM_004260.4(RECQL4):c.2380A>C (p.Ser794Arg)

Gene: RECQL4 (RecQ like helicase 4; minus strand). Cytogenetic location: 8q24.3.
Variant type: single nucleotide variant.
Coding change: c.2380A>C on transcript NM_004260.4 (MANE Select); coding-DNA position 2380, A replaced by C.
Protein change: p.Ser794Arg; replaces serine 794 with arginine.
Molecular consequence: missense variant. On other transcripts: non-coding transcript variant (3), intron variant (3).
Genome position (GRCh38, 1-based): chr8:144,513,301, T>G on the plus strand (A>C on the coding strand, the complement: RECQL4 is on the minus strand). VCF-style: chr8-144513301-T-G. GRCh37 (hg19) VCF-style: chr8-145738684-T-G.
Other names: c.2380A>C, p.Ser794Arg (NM_001413019.1, NM_001413036.1); c.2284A>C, p.Ser762Arg (NM_001413020.1); c.1309A>C, p.Ser437Arg (NM_001413021.1, NM_001413022.1, NM_001413023.1 and 5 more transcripts); c.2251A>C, p.Ser751Arg (NM_001413025.1); c.1243A>C, p.Ser415Arg (NM_001413027.1, NM_001413030.1, NM_001413032.1 and 1 more transcripts); c.2029A>C, p.Ser677Arg (NM_001413029.1); c.1111A>C, p.Ser371Arg (NM_001413031.1); c.2248A>C, p.Ser750Arg (NM_001413033.1); and 7 more; short protein forms S393R, S415R, S437R, S371R, S750R, S784R, S794R, S751R.
Identifiers: ClinVar variation 3431915 (VCV003431915.1).

ClinVar aggregate classification (germline): Uncertain significance (1 of 4 stars; one submission).

Conditions:
Inborn genetic diseases. Identifiers: MedGen C0950123, MeSH D030342.

Submission:

Ambry Genetics
Classification: Uncertain significance for Inborn genetic diseases. Last evaluated: 2024-12-07. Review status: criteria provided, single submitter. Criteria: Ambry Variant Classification Scheme 2023. Collection method: clinical testing. Allele origin: germline.
Comment: The p.S794R variant (also known as c.2380A>C), located in coding exon 14 of the RECQL4 gene, results from an A to C substitution at nucleotide position 2380. The serine at codon 794 is replaced by arginine, an amino acid with dissimilar properties. This amino acid position is conserved. Based on the available evidence, the clinical significance of this variant remains unclear.